The following is an entry in ClinVar:

ClinVar aggregate classification (germline): Conflicting classifications of pathogenicity. Review status: criteria provided, conflicting classifications (1 of 4 stars). 6 submissions from 6 submitters: Pathogenic (2); Likely pathogenic (1); Uncertain significance (2). 1 of the submissions does not count toward it. Last evaluated 2026-01-25.

Conditions:
Cystic fibrosis (CF). Also called: MUCOVISCIDOSIS. Identifiers: Orphanet 586, MedGen C0010674, MONDO:0009061, OMIM 219700. Disease mechanism: loss of function.
Bronchiectasis with or without elevated sweat chloride 1 (BESC1). Also called: Cystic Fibrosis-Like Syndrome. Identifiers: Orphanet 60033, MedGen C2749757, MONDO:0008887, OMIM 211400.
Hereditary pancreatitis (PCTT). Also called: Hereditary chronic pancreatitis; PRSS1-Related Hereditary Pancreatitis. Identifiers: Orphanet 676, MedGen C0238339, MONDO:0008185, OMIM 167800.
Congenital bilateral aplasia of vas deferens from CFTR mutation (CBAVD). Identifiers: Orphanet 48, MedGen C0403814, MONDO:0010178, OMIM 277180. Disease mechanism: loss of function.

Allele frequency attached by ClinVar (database versions not stated): gnomAD exomes below 0.00001; ExAC 0.00001; TOPMed 0.00002.
gnomAD v4.1: 2 of 1,606,160 alleles (0.00012%); highest among the groups gnomAD compares: East Asian, 0.0045%; no homozygotes.

Submissions (6):

Labcorp Genetics (formerly Invitae), Labcorp
Classification: Pathogenic for Cystic fibrosis. Last evaluated: 2026-01-25. Review status: criteria provided, single submitter. Criteria: Invitae Variant Classification Sherloc (09022015). Collection method: clinical testing. Allele origin: germline.
Comment: This variant occurs in a non-coding region of the CFTR gene. It does not change the encoded amino acid sequence of the CFTR protein. This variant is present in population databases (rs756314710, gnomAD 0.01%). This variant has been observed in individuals with congenital absence of vas deferens or disseminated bronchiectasis (PMID: 21837768, 30811104, 31357024, 32777524). ClinVar contains an entry for this variant (Variation ID: 552672). Algorithms developed to predict the effect of variants on gene product structure and function are not available or were not evaluated for this variant. Experimental studies have shown that this variant affects CFTR function (PMID: 21837768, 31357024). For these reasons, this variant has been classified as Pathogenic.

Women's Health and Genetics/Laboratory Corporation of America, LabCorp
Classification: Pathogenic for Cystic fibrosis. Last evaluated: 2025-08-11. Review status: criteria provided, single submitter. Criteria: LabCorp Variant Classification Summary - May 2015. Collection method: clinical testing. Allele origin: germline.
Comment: Variant summary: CFTR c.-34C>T alters a conserved nucleotide located in the untranslated mRNA region upstream of the initiation codon. The variant allele was found at a frequency of 4e-06 in 250744 control chromosomes. c.-34C>T has been observed in the presumed compound heterozygous state in multiple individual(s) with Congenital Absence Of The Vas Deferens (example, Feng_2019, Luo_2021, Yuan_2019). These data indicate that the variant is likely to be associated with disease. At least two studies have provided in vitro experimental evidence that this variant leads to decreased mRNA stability and an 85-95% reduction in overall gene expression (example, Lukowski_2011, Feng_2019). The following publications have been ascertained in the context of this evaluation (PMID: 31357024, 21837768, 32777524, 30811104). ClinVar contains an entry for this variant (Variation ID: 552672). Based on the evidence outlined above, the variant was classified as pathogenic.

Johns Hopkins Genomics, Johns Hopkins University
Classification: Uncertain significance for Cystic fibrosis. Last evaluated: 2024-02-29. Review status: criteria provided, single submitter. Criteria: ACMG Guidelines, 2015. Collection method: clinical testing. Allele origin: germline.
Comment: This CFTR variant has been identified in individuals diagnosed with disseminated bronchiectasis or congenital bilateral absence of the vas deferens, but not cystic fibrosis to our knowledge. It (rs756314710) is rare (<0.1%) in a large population dataset (gnomADv4.0.0: 2/1454016 total alleles; 0.0001%; no homozygotes) and has an entry in ClinVar (Variation ID: 552672). The nucleotide at this position is conserved across the mammalian species assessed and two functional studies indicate that this non-coding variant may decrease CFTR mRNA expression likely through use of an upstream start codon. We consider the clinical significance of c.-34C>T to be uncertain at this time.

Blueprint Genetics
Classification: Uncertain significance. Last evaluated: 2023-07-07. Review status: criteria provided, single submitter. Criteria: ACMG Guidelines, 2015. Collection method: clinical testing. Allele origin: germline.

Juno Genomics, Hangzhou Juno Genomics, Inc
Classification: Likely pathogenic for Bronchiectasis with or without elevated sweat chloride 1; Hereditary pancreatitis; Congenital bilateral aplasia of vas deferens from CFTR mutation; Cystic fibrosis. Review status: criteria provided, single submitter. Criteria: ACMG Guidelines, 2015. Collection method: clinical testing. Allele origin: germline.
Comment: Absent from controls (or at extremely low frequency if recessive) in Genome Aggregation Database.;Well-established in vitro or in vivo functional studies supportive of a damaging effect on the gene or gene product.;For recessive disorders, detected in trans with a pathogenic variant.;Patient's phenotype or family history is highly specific for a disease with a single genetic etiology.

Counsyl
Classification: Uncertain significance for Cystic fibrosis. Last evaluated: 2017-08-08. Review status: no assertion criteria provided. Collection method: clinical testing. Allele origin: unknown. Not counted in ClinVar's aggregate classification.

Literature cited by the submitters: PubMed 21837768 (cited by 4 submitters); PubMed 30811104 (cited by 3 submitters); PubMed 31357024 (cited by 3 submitters); PubMed 32777524 (cited by 3 submitters).

NM_000492.4(CFTR):c.-34C>T

Genes: CFTR (CF transmembrane conductance regulator; plus strand), LOC111674463 (CFTR promoter region; plus strand). Cytogenetic location: 7q31.2.
Variant type: single nucleotide variant.
Coding change: c.-34C>T on transcript NM_000492.4 (MANE Select); 34 bases upstream of the start codon, C replaced by T.
Molecular consequence: 5 prime UTR variant.
Genome position (GRCh38, 1-based): chr7:117,480,061, C>T. VCF-style: chr7-117480061-C-T. GRCh37 (hg19) VCF-style: chr7-117120115-C-T.
Identifiers: ClinVar variation 552672 (VCV000552672.22), dbSNP rs756314710, ClinGen allele CA4450589.
Genomic context (GRCh38, chr7:117,480,061, plus strand): 5'-AGGGTTGAGCGGCAGGCACCCAGAGTAGTAGGTCTTTGGCATTAGGAGCTTGAGCCCAGA[C>T]GGCCCTAGCAGGGACCCCAGCGCCCGAGAGACCATGCAGAGGTCGCCTCTGGAAAAGGCC-3'